The following is an entry in ClinVar:

ClinVar aggregate classification (germline): Uncertain significance. Review status: criteria provided, multiple submitters, no conflicts (2 of 4 stars). 3 submissions from 3 submitters: Uncertain significance (2). 1 of the submissions does not count toward it. Last evaluated 2023-08-10.

Conditions:
Duchenne muscular dystrophy (DMD). Also called: Duchenne Muscular Dystrophy (DMD); MUSCULAR DYSTROPHY, PSEUDOHYPERTROPHIC PROGRESSIVE, DUCHENNE TYPE. Identifiers: Orphanet 98896, MedGen C0013264, MONDO:0010679, OMIM 310200.
Dystrophin deficiency.
Becker muscular dystrophy (BMD). Also called: MUSCULAR DYSTROPHY, PSEUDOHYPERTROPHIC PROGRESSIVE, BECKER TYPE; Becker Muscular Dystrophy (BMD). Identifiers: Orphanet 98895, MedGen C0917713, MONDO:0010311, OMIM 300376.
Cardiomyopathy (CMYO). Also called: Cardiomyopathies. Identifiers: Orphanet 167848, MedGen C0878544, MONDO:0004994, HP:0001638. Inheritance: Various modes of inheritance.
Cardiovascular phenotype. Identifiers: MedGen CN230736.

gnomAD v4.1: 5 of 1,207,299 alleles (0.00041%); highest among the groups gnomAD compares: Non-Finnish European, 0.00056%; no homozygotes.

Submissions (3):

Labcorp Genetics (formerly Invitae), Labcorp
Classification: Uncertain significance for Duchenne muscular dystrophy. Last evaluated: 2023-08-10. Review status: criteria provided, single submitter. Criteria: Invitae Variant Classification Sherloc (09022015). Collection method: clinical testing. Allele origin: germline.
Comment: In summary, the available evidence is currently insufficient to determine the role of this variant in disease. Therefore, it has been classified as a Variant of Uncertain Significance. Advanced modeling of protein sequence and biophysical properties (such as structural, functional, and spatial information, amino acid conservation, physicochemical variation, residue mobility, and thermodynamic stability) performed at Invitae indicates that this missense variant is not expected to disrupt DMD protein function. ClinVar contains an entry for this variant (Variation ID: 843992). This variant has not been reported in the literature in individuals affected with DMD-related conditions. This variant is not present in population databases (gnomAD no frequency). This sequence change replaces arginine, which is basic and polar, with cysteine, which is neutral and slightly polar, at codon 1978 of the DMD protein (p.Arg1978Cys).

Ambry Genetics
Classification: Uncertain significance for Cardiovascular phenotype. Last evaluated: 2021-04-07. Review status: criteria provided, single submitter. Criteria: Ambry Variant Classification Scheme 2023. Collection method: clinical testing. Allele origin: germline.
Comment: The p.R1978C variant (also known as c.5932C>T), located in coding exon 42 of the DMD gene, results from a C to T substitution at nucleotide position 5932. The arginine at codon 1978 is replaced by cysteine, an amino acid with highly dissimilar properties. This amino acid position is poorly conserved in available vertebrate species. In addition, this alteration is predicted to be tolerated by in silico analysis. Since supporting evidence is limited at this time, the clinical significance of this alteration remains unclear.

Natera, Inc.
Classification: Uncertain significance for Becker muscular dystrophy; Cardiomyopathy; Duchenne muscular dystrophy; Dystrophin deficiency. Last evaluated: 2018-07-04. Review status: no assertion criteria provided. Collection method: clinical testing. Allele origin: germline. Not counted in ClinVar's aggregate classification.

NM_004006.3(DMD):c.5932C>T (p.Arg1978Cys)

Gene: DMD (dystrophin; minus strand). Cytogenetic location: Xp21.1.
Variant type: single nucleotide variant.
Coding change: c.5932C>T on transcript NM_004006.3 (MANE Select); coding-DNA position 5932, C replaced by T.
Protein change: p.Arg1978Cys; replaces arginine 1978 with cysteine.
Molecular consequence: missense variant.
Genome position (GRCh38, 1-based): chrX:32,310,267, G>A on the plus strand (C>T on the coding strand, the complement: DMD is on the minus strand). VCF-style: chrX-32310267-G-A. GRCh37 (hg19) VCF-style: chrX-32328384-G-A.
Other names: c.5908C>T, p.Arg1970Cys (NM_000109.4); c.5920C>T, p.Arg1974Cys (NM_004009.3); c.5563C>T, p.Arg1855Cys (NM_004010.3); c.1909C>T, p.Arg637Cys (NM_004011.4); c.1900C>T, p.Arg634Cys (NM_004012.4); short protein forms R1974C, R1855C, R1970C, R634C, R1978C, R637C.
Identifiers: ClinVar variation 843992 (VCV000843992.12), dbSNP rs2097557042, ClinGen allele CA412670255.